The following is an entry in ClinVar:

NM_001112741.2(KCNC1):c.207C>G (p.Asn69Lys)

Gene: KCNC1 (potassium voltage-gated channel subfamily C member 1; plus strand). Cytogenetic location: 11p15.1.
Variant type: single nucleotide variant.
Coding change: c.207C>G on transcript NM_001112741.2 (MANE Select); coding-DNA position 207, C replaced by G.
Protein change: p.Asn69Lys; replaces asparagine 69 with lysine.
Molecular consequence: missense variant.
Genome position (GRCh38, 1-based): chr11:17,736,209, C>G. VCF-style: chr11-17736209-C-G. GRCh37 (hg19) VCF-style: chr11-17757756-C-G.
Other names: c.207C>G, p.Asn69Lys (NM_004976.4); short protein forms N69K.
Identifiers: ClinVar variation 3371841 (VCV003371841.1).

ClinVar aggregate classification (germline): Uncertain significance (1 of 4 stars; one submission).

Submission:

GeneDx
Classification: Uncertain significance. Last evaluated: 2024-03-30. Review status: criteria provided, single submitter. Criteria: GeneDx Variant Classification Process June 2021. Collection method: clinical testing. Allele origin: germline. Affected: yes.
Comment: Not observed at significant frequency in large population cohorts (gnomAD); In silico analysis supports that this missense variant has a deleterious effect on protein structure/function; Has not been previously published as pathogenic or benign to our knowledge